The following is an entry in ClinVar:

ClinVar aggregate classification (germline): Uncertain significance (1 of 4 stars; one submission).

Submission:

GeneDx
Classification: Uncertain significance. Last evaluated: 2026-02-15. Review status: criteria provided, single submitter. Criteria: GeneDx Variant Classification Process June 2021. Collection method: clinical testing. Allele origin: germline.
Comment: Not observed at significant frequency in large population cohorts (gnomAD); In silico analysis suggests that this missense variant does not alter protein structure/function; Has not been previously published as pathogenic or benign to our knowledge

NM_015559.3(SETBP1):c.61C>T (p.Pro21Ser)

Gene: SETBP1 (SET binding protein 1; plus strand). Cytogenetic location: 18q12.3.
Variant type: single nucleotide variant.
Coding change: c.61C>T on transcript NM_015559.3 (MANE Select); coding-DNA position 61, C replaced by T.
Protein change: p.Pro21Ser; replaces proline 21 with serine.
Molecular consequence: missense variant.
Genome position (GRCh38, 1-based): chr18:44,701,407, C>T. VCF-style: chr18-44701407-C-T. GRCh37 (hg19) VCF-style: chr18-42281372-C-T.
Other names: c.61C>T, p.Pro21Ser (NM_001130110.2, NM_001379141.1, NM_001379142.1 and 1 more transcripts); short protein forms P21S.
Identifiers: ClinVar variation 4891495 (VCV004891495.1).
Genomic context (GRCh38, chr18:44,701,407, plus strand): 5'-ATGGAGTCCAGGGAAACCTTAAGCAGCTCCCGGCAAAGAGGGGGCGAGTCAGACTTCCTG[C>T]CGGTCTCCTCAGCCAAGCCCCCAGCTGCTCCTGGCTGTGCAGGAGAACCTTTGCTCTCCA-3'
Protein context (NP_056374.2, residues 11-31): RQRGGESDFL[Pro21Ser]VSSAKPPAAP